The following is an entry in ClinVar:

ClinVar aggregate classification (germline): Pathogenic. Review status: reviewed by expert panel (3 of 4 stars). 3 submissions from 3 submitters: Pathogenic (1). 2 of the submissions do not count toward it. Last evaluated 2017-12-15.

Conditions:
Hereditary breast ovarian cancer syndrome. Also called: Hereditary breast and ovarian cancer syndrome; Hereditary breast and ovarian cancer; Hereditary breast and ovarian cancer syndrome (HBOC); Breast and ovarian cancer; Hereditary breast and/or ovarian cancer syndrome; BRCA1- and BRCA2-Associated Hereditary Breast and Ovarian Cancer. Identifiers: Orphanet 145, MedGen C0677776, MeSH D061325, MONDO:0003582. Disease mechanism: loss of function.
Familial cancer of breast. Also called: BREAST CANCER, FAMILIAL; Hereditary breast cancer; hereditary breast carcinoma. Identifiers: Orphanet 227535, MedGen C0346153, MONDO:0016419, OMIM 114480. Disease mechanism: loss of function.
Breast-ovarian cancer, familial, susceptibility to, 2 (BROVCA2). Also called: BRCA2 Hereditary Breast and Ovarian Cancer. Identifiers: Orphanet 145, MedGen C2675520, MONDO:0012933, OMIM 612555. Disease mechanism: loss of function.

Submissions (3):

Evidence-based Network for the Interpretation of Germline Mutant Alleles (ENIGMA)
Classification: Pathogenic for Breast-ovarian cancer, familial, susceptibility to, 2. Last evaluated: 2017-12-15. Review status: reviewed by expert panel. Criteria: ENIGMA BRCA1/2 Classification Criteria (2017-06-29). Collection method: curation. Allele origin: germline. Study: ENIGMA.
Comment: Variant allele predicted to encode a truncated non-functional protein.

Labcorp Genetics (formerly Invitae), Labcorp
Classification: Pathogenic for Hereditary breast ovarian cancer syndrome. Last evaluated: 2023-05-21. Review status: criteria provided, single submitter. Criteria: Invitae Variant Classification Sherloc (09022015). Collection method: clinical testing. Allele origin: germline. Not counted in ClinVar's aggregate classification.
Comment: For these reasons, this variant has been classified as Pathogenic. ClinVar contains an entry for this variant (Variation ID: 51603). This premature translational stop signal has been observed in individual(s) with a personal and/or family history of breast and/or ovarian cancer (PMID: 21120943, 29084914). This variant is not present in population databases (gnomAD no frequency). This sequence change creates a premature translational stop signal (p.Ile1380Aspfs*2) in the BRCA2 gene. It is expected to result in an absent or disrupted protein product. Loss-of-function variants in BRCA2 are known to be pathogenic (PMID: 20104584).

ClinVar Staff, National Center for Biotechnology Information (NCBI)
No classification provided. Condition: Familial cancer of breast. Review status: no classification provided. Collection method: literature only. Allele origin: germline. Affected: yes. Not counted in ClinVar's aggregate classification.

Literature cited by the submitters: PubMed 21120943 (cited by Labcorp Genetics (formerly Invitae), Labcorp and ClinVar Staff, National Center for Biotechnology Information (NCBI)); PubMed 29084914 (cited by Labcorp Genetics (formerly Invitae), Labcorp); PubMed 20104584 (cited by Labcorp Genetics (formerly Invitae), Labcorp).

NM_000059.4(BRCA2):c.4136dup (p.Ile1380fs)

Gene: BRCA2 (BRCA2 DNA repair associated; plus strand). Cytogenetic location: 13q13.1.
Variant type: Duplication.
Coding change: c.4136dup on transcript NM_000059.4 (MANE Select); coding-DNA position 4136, one base duplicated (A; older notation c.4136dupA).
Protein change: p.Ile1380fs; shifts the reading frame from isoleucine 1380.
Molecular consequence: frameshift variant.
Genome position (GRCh38, 1-based): chr13:32,338,491, A duplicated. VCF-style (leftmost placement, unchanged base first): chr13-32338490-C-CA. GRCh37 (hg19) VCF-style: chr13-32912627-C-CA.
Other names: c.4136dupA (NM_000059.3); short protein forms I1380fs.
Identifiers: ClinVar variation 51603 (VCV000051603.12), dbSNP rs397507708, ClinGen allele CA019581.